The following is an entry in ClinVar:

NM_000455.5(STK11):c.961_962delinsT (p.Pro321fs)

Gene: STK11 (serine/threonine kinase 11; plus strand). Cytogenetic location: 19p13.3.
Variant type: Indel.
Coding change: c.961_962delinsT on transcript NM_000455.5 (MANE Select); coding-DNA positions 961 to 962, CC replaced by T.
Protein change: p.Pro321fs; shifts the reading frame from proline 321.
Molecular consequence: frameshift variant. On other transcripts: non-coding transcript variant (1).
Genome position (GRCh38, 1-based): chr19:1,223,025-1,223,026, CC replaced by T. VCF-style: chr19-1223025-CC-T. GRCh37 (hg19) VCF-style: chr19-1223024-CC-T.
Other names: c.961_962delinsT, p.Pro321fs (NM_001407255.1); short protein forms P321fs.
Identifiers: ClinVar variation 3010206 (VCV003010206.3), dbSNP rs2512948805, ClinGen allele CA2740091837.

ClinVar aggregate classification (germline): Pathogenic (1 of 4 stars; one submission).

Conditions:
Peutz-Jeghers syndrome (PJS). Also called: Peutz-Jeghers polyposis; Periorificial lentiginosis syndrome; POLYPOSIS, HAMARTOMATOUS INTESTINAL; POLYPS-AND-SPOTS SYNDROME. Identifiers: Orphanet 2869, MedGen C0031269, MeSH D010580, MONDO:0008280, OMIM 175200.

Submission:

Labcorp Genetics (formerly Invitae), Labcorp
Classification: Pathogenic for Peutz-Jeghers syndrome. Last evaluated: 2019-05-15. Review status: criteria provided, single submitter. Criteria: Invitae Variant Classification Sherloc (09022015). Collection method: clinical testing. Allele origin: germline.
Comment: Loss-of-function variants in STK11 are known to be pathogenic (PMID: 15188174, 16287113). For these reasons, this variant has been classified as Pathogenic. This variant has not been reported in the literature in individuals with STK11-related conditions. This variant is not present in population databases (ExAC no frequency). This sequence change creates a premature translational stop signal (p.Pro321Serfs*15) in the STK11 gene. It is expected to result in an absent or disrupted protein product.

Literature cited by the submitters: PubMed 15188174; PubMed 16287113.